The following is an entry in ClinVar:

NM_002485.5(NBN):c.1688T>C (p.Leu563Ser)

Gene: NBN (nibrin; minus strand). Cytogenetic location: 8q21.3.
Variant type: single nucleotide variant.
Coding change: c.1688T>C on transcript NM_002485.5 (MANE Select); coding-DNA position 1688, T replaced by C.
Protein change: p.Leu563Ser; replaces leucine 563 with serine.
Molecular consequence: missense variant.
Genome position (GRCh38, 1-based): chr8:89,953,401, A>G on the plus strand (T>C on the coding strand, the complement: NBN is on the minus strand). VCF-style: chr8-89953401-A-G. GRCh37 (hg19) VCF-style: chr8-90965629-A-G.
Other names: c.1442T>C, p.Leu481Ser (NM_001024688.3); short protein forms L563S, L481S.
Identifiers: ClinVar variation 942956 (VCV000942956.9), dbSNP rs935736921, ClinGen allele CA181257800.

ClinVar aggregate classification (germline): Uncertain significance (1 of 4 stars; one submission).

Conditions:
Microcephaly, normal intelligence and immunodeficiency (NBS). Also called: Nijmegen breakage syndrome; IMMUNODEFICIENCY, MICROCEPHALY, AND CHROMOSOMAL INSTABILITY; Immunodeficiency, microcephaly with normal intelligence; Microcephaly with normal intelligence immunodeficiency and lymphoreticular malignancies; Nonsyndromal microcephaly autosomal recessive with normal intelligence; Seemanova syndrome 2. Identifiers: Orphanet 647, MedGen C0398791, MONDO:0009623, OMIM 251260.

Submission:

Labcorp Genetics (formerly Invitae), Labcorp
Classification: Uncertain significance for Microcephaly, normal intelligence and immunodeficiency. Last evaluated: 2019-06-30. Review status: criteria provided, single submitter. Criteria: Invitae Variant Classification Sherloc (09022015). Collection method: clinical testing. Allele origin: germline.
Comment: In summary, the available evidence is currently insufficient to determine the role of this variant in disease. Therefore, it has been classified as a Variant of Uncertain Significance. Algorithms developed to predict the effect of missense changes on protein structure and function are either unavailable or do not agree on the potential impact of this missense change (SIFT: "Deleterious"; PolyPhen-2: "Probably Damaging"; Align-GVGD: "Class C0"). This variant has not been reported in the literature in individuals with NBN-related conditions. This variant is not present in population databases (ExAC no frequency). This sequence change replaces leucine with serine at codon 563 of the NBN protein (p.Leu563Ser). The leucine residue is moderately conserved and there is a large physicochemical difference between leucine and serine.